The following is an entry in ClinVar:

NM_000090.4(COL3A1):c.3094-8G>T

Gene: COL3A1 (collagen type III alpha 1 chain; plus strand). Cytogenetic location: 2q32.2.
Variant type: single nucleotide variant.
Coding change: c.3094-8G>T on transcript NM_000090.4 (MANE Select); 8 bases into the intron before coding-DNA position 3094, G replaced by T.
Molecular consequence: intron variant.
Genome position (GRCh38, 1-based): chr2:189,006,337, G>T. VCF-style: chr2-189006337-G-T. GRCh37 (hg19) VCF-style: chr2-189871063-G-T.
Identifiers: ClinVar variation 3074358 (VCV003074358.1), dbSNP rs969181731, ClinGen allele CA2521145279.

ClinVar aggregate classification (germline): Uncertain significance (1 of 4 stars; one submission).

Conditions:
Ehlers-Danlos syndrome, type 4 (EDSVASC). Also called: Ehlers-Danlos Syndrome Type IV; Ehlers-Danlos syndrome vascular type; Ehlers Danlos syndrome, ecchymotic type; Ehlers Danlos syndrome, arterial type; Ehlers Danlos syndrome, Sack-Barabas type. Identifiers: Orphanet 286, MedGen C0268338, MONDO:0017314, OMIM 130050.

Submission:

All of Us Research Program, National Institutes of Health
Classification: Uncertain significance for Ehlers-Danlos syndrome, type 4. Last evaluated: 2023-11-02. Review status: criteria provided, single submitter. Criteria: ACMG Guidelines, 2015. Collection method: clinical testing. Allele origin: germline. Inheritance: Autosomal dominant inheritance. Observed: 1 variant allele, 1 heterozygote.
Comment: This variant causes a G to T nucleotide substitution at the -8 position of intron 42 of the COL3A1 gene. To our knowledge, functional studies have not been reported for this variant. This variant has not been reported in individuals affected with COL3A1-related disorders in the literature. This variant has not been identified in the general population by the Genome Aggregation Database (gnomAD). The available evidence is insufficient to determine the role of this variant in disease conclusively. Therefore, this variant is classified as a Variant of Uncertain Significance.

This study involves interpretation of variants in research participants for the purpose of population health screening. Participant phenotype was not available at the time of variant classification. Additional details can be found in publication PMID: 35346344, PMCID: PMC8962531